The following is an entry in ClinVar:

ClinVar aggregate classification (germline): Pathogenic/Likely pathogenic. Review status: criteria provided, multiple submitters, no conflicts (2 of 4 stars). 5 submissions from 5 submitters: Pathogenic (3); Likely pathogenic (2). Last evaluated 2026-09-01.

Conditions:
Adult hypophosphatasia. Identifiers: Orphanet 247676, Orphanet 436, MedGen C0268413, MONDO:1010154, OMIM 146300, MONDO:0007798.
Hypophosphatasia. Also called: Phosphoethanol-aminuria. Identifiers: Orphanet 436, MedGen C0020630, MeSH D007014, MONDO:0018570.

Submissions (5):

Genomenon, Inc
Classification: Pathogenic for Hypophosphatasia. Last evaluated: 2026-09-01. Review status: criteria provided, single submitter. Criteria: Genomenon Sequence Variant Interpretation Standards - Updated. Collection method: curation. Allele origin: germline. Affected: yes.
Comment: ALPL p.Leu8CysfsTer6 (c.21_32delinsGTGT) is a frameshift variant that is predicted to introduce a premature termination codon and result in a truncated or absent protein product. This variant has been observed in at least one proband affected with an ALPL-related disorder (PMID:34633109). It is absent or not present at a significant frequency in gnomAD. In conclusion, we classify ALPL p.Leu8CysfsTer6 (c.21_32delinsGTGT) as a pathogenic variant.

Women's Health and Genetics/Laboratory Corporation of America, LabCorp
Classification: Pathogenic for Hypophosphatasia. Last evaluated: 2026-04-07. Review status: criteria provided, single submitter. Criteria: LabCorp Variant Classification Summary - May 2015. Collection method: clinical testing. Allele origin: germline.
Comment: Variant summary: ALPL c.21_32delinsGTGT (p.Leu8CysfsX6) results in a premature termination codon, predicted to cause a truncation of the encoded protein or absence of the protein due to nonsense mediated decay, which are commonly known mechanisms for disease. The variant was absent in 251486 control chromosomes. c.21_32delinsGTGT has been observed in at least one individual affected with Hypophosphatasia (e.g. Rush_2022). To our knowledge, no experimental evidence demonstrating an impact on protein function has been reported. The following publication has been ascertained in the context of this evaluation (PMID: 34633109). ClinVar contains an entry for this variant (Variation ID: 966449). Based on the evidence outlined above, the variant was classified as pathogenic for Autosomal Dominant Hypophosphatasia and Autosomal Recessive Hypophosphatasia.

Greenwood Genetic Center Diagnostic Laboratories, Greenwood Genetic Center
Classification: Likely pathogenic for Adult hypophosphatasia. Last evaluated: 2025-04-01. Review status: criteria provided, single submitter. Criteria: ACMG Guidelines, 2015. Collection method: clinical testing. Allele origin: germline. Affected: yes.
Comment: PVS1, PM2

Labcorp Genetics (formerly Invitae), Labcorp
Classification: Pathogenic. Last evaluated: 2025-03-30. Review status: criteria provided, single submitter. Criteria: Invitae Variant Classification Sherloc (09022015). Collection method: clinical testing. Allele origin: germline.
Comment: This sequence change creates a premature translational stop signal (p.Leu8Cysfs*6) in the ALPL gene. It is expected to result in an absent or disrupted protein product. Loss-of-function variants in ALPL are known to be pathogenic (PMID: 3174660, 10679946, 32973344, 33814268). Information on the frequency of this variant in the gnomAD database is not available, as this variant may be reported differently in the database. This variant has not been reported in the literature in individuals affected with ALPL-related conditions. For these reasons, this variant has been classified as Pathogenic.

Natera, Inc.
Classification: Likely pathogenic for Hypophosphatasia. Last evaluated: 2024-12-19. Review status: criteria provided, single submitter. Criteria: Natera Variant Classification Schema (03/2026). Collection method: clinical testing. Allele origin: germline.
Comment: The c.21_32delinsGTGT variant in ALPL is a frameshift variant predicted to shift the reading frame beginning at codon 8 and leads to a stop codon 6 codons downstream. This variant is expected to result in nonsense mediated decay, truncation, or a dysfunctional protein product. This variant is rare in the general population with a frequency below the threshold expected for the associated phenotype(s). Given the available evidence, this variant is classified as Likely Pathogenic.

Literature cited by the submitters: PubMed 34633109 (cited by Genomenon, Inc and Women's Health and Genetics/Laboratory Corporation of America, LabCorp); PubMed 3174660 (cited by Labcorp Genetics (formerly Invitae), Labcorp); PubMed 10679946 (cited by Labcorp Genetics (formerly Invitae), Labcorp); PubMed 32973344 (cited by Labcorp Genetics (formerly Invitae), Labcorp); PubMed 33814268 (cited by Labcorp Genetics (formerly Invitae), Labcorp).

NM_000478.6(ALPL):c.21_32delinsGTGT (p.Leu8fs)

Gene: ALPL (alkaline phosphatase, biomineralization associated; plus strand). Cytogenetic location: 1p36.12.
Variant type: Indel.
Coding change: c.21_32delinsGTGT on transcript NM_000478.6 (MANE Select); coding-DNA positions 21 to 32, ACTGGCCATTGG replaced by GTGT.
Protein change: p.Leu8fs; shifts the reading frame from leucine 8.
Molecular consequence: frameshift variant. On other transcripts: intron variant (2).
Genome position (GRCh38, 1-based): chr1:21,554,102-21,554,113, ACTGGCCATTGG replaced by GTGT. VCF-style: chr1-21554102-ACTGGCCATTGG-GTGT. GRCh37 (hg19) VCF-style: chr1-21880595-ACTGGCCATTGG-GTGT.
Other names: c.21_32delinsGTGT, p.Leu8fs (NM_001369803.2, NM_001369804.2, NM_001369805.2); c.-104-6524_-104-6513delinsGTGT (NM_001127501.4); c.-54-6524_-54-6513delinsGTGT (NM_001177520.3); short protein forms L8fs.
Identifiers: ClinVar variation 966449 (VCV000966449.9), dbSNP rs1644366950, ClinGen allele CA1139655995.